The following is an entry in ClinVar:

ClinVar aggregate classification (germline): Uncertain significance (1 of 4 stars; one submission).

Conditions:
Neuropathy, hereditary sensory and autonomic, type 1C. Also called: HSAN IC; HSN IC. Identifiers: Orphanet 36386, MedGen C3150896, MONDO:0013337, OMIM 613640.

Allele frequency attached by ClinVar (database versions not stated): gnomAD exomes below 0.00001; gnomAD 0.00001.
gnomAD v4.1: 6 of 1,496,138 alleles (0.0004%); highest among the groups gnomAD compares: Non-Finnish European, 0.00053%; no homozygotes.

Submission:

Labcorp Genetics (formerly Invitae), Labcorp
Classification: Uncertain significance for Neuropathy, hereditary sensory and autonomic, type 1C. Last evaluated: 2018-04-02. Review status: criteria provided, single submitter. Criteria: Invitae Variant Classification Sherloc (09022015). Collection method: clinical testing. Allele origin: germline.
Comment: This variant has not been reported in the literature in individuals with SPTLC2-related disease. While this variant is not present in population databases, the frequency information is unreliable, as metrics indicate poor data quality at this position in the ExAC database. Algorithms developed to predict the effect of missense changes on protein structure and function (SIFT, PolyPhen-2, Align-GVGD) all suggest that this variant is likely to be tolerated, but these predictions have not been confirmed by published functional studies and their clinical significance is uncertain. In summary, the available evidence is currently insufficient to determine the role of this variant in disease. Therefore, it has been classified as a Variant of Uncertain Significance. This sequence change replaces alanine with serine at codon 37 of the SPTLC2 protein (p.Ala37Ser). The alanine residue is weakly conserved and there is a moderate physicochemical difference between alanine and serine.

NM_004863.4(SPTLC2):c.109G>T (p.Ala37Ser)

Gene: SPTLC2 (serine palmitoyltransferase long chain base subunit 2; minus strand). Cytogenetic location: 14q24.3.
Variant type: single nucleotide variant.
Coding change: c.109G>T on transcript NM_004863.4 (MANE Select); coding-DNA position 109, G replaced by T.
Protein change: p.Ala37Ser; replaces alanine 37 with serine.
Molecular consequence: missense variant.
Genome position (GRCh38, 1-based): chr14:77,616,471, C>A on the plus strand (G>T on the coding strand, the complement: SPTLC2 is on the minus strand). VCF-style: chr14-77616471-C-A. GRCh37 (hg19) VCF-style: chr14-78082814-C-A.
Other names: short protein forms A37S.
Identifiers: ClinVar variation 567958 (VCV000567958.8), dbSNP rs1245435236, ClinGen allele CA390712121.
Genomic context (GRCh38, chr14:77,616,471, plus strand): 5'-ACCGCCACCCCGGCCCCGCCGCGCGGGCCCCTCGTACCTGGCCGGCGGCGGCTGCGGCTG[C>A]GGCTGCAGCGCTGCTCCTCACGTACCCGTTCCGTACTTCCCCGTTCGCCACGCAGCCATT-3'
Protein context (NP_004854.1, residues 27-47): NGYVRSSAAA[Ala37Ser]AAAAAGQIHH